The following is an entry in ClinVar:

NM_001352754.2(ARMC9):c.470C>T (p.Pro157Leu)

Gene: ARMC9 (armadillo repeat containing 9; plus strand). Cytogenetic location: 2q37.1.
Variant type: single nucleotide variant.
Coding change: c.470C>T on transcript NM_001352754.2 (MANE Select); coding-DNA position 470, C replaced by T.
Protein change: p.Pro157Leu; replaces proline 157 with leucine.
Molecular consequence: missense variant. On other transcripts: non-coding transcript variant (1).
Genome position (GRCh38, 1-based): chr2:231,216,759, C>T. VCF-style: chr2-231216759-C-T. GRCh37 (hg19) VCF-style: chr2-232081472-C-T.
Other names: c.470C>T, p.Pro157Leu (NM_001352756.2, NM_001271466.4, NM_001291656.2 and 5 more transcripts); short protein forms P157L.
Identifiers: ClinVar variation 1916125 (VCV001916125.5), dbSNP rs886764569, ClinGen allele CA66818014.
Genomic context (GRCh38, chr2:231,216,759, plus strand): 5'-CAGCCTTGAGCCAGACCACAGAGTTTCTTCCTTTCTATGCCCTTCCTTTTGTTCCCAACC[C>T]TATGGTGCACCCCTCATTTAAAGAACTCTTCCAGGTAAATGTCAGCTTTTAACTCTTGTG-3'
Protein context (NP_001339683.2, residues 147-167): PFYALPFVPN[Pro157Leu]MVHPSFKELF

ClinVar aggregate classification (germline): Uncertain significance (1 of 4 stars; one submission).

Submission:

Labcorp Genetics (formerly Invitae), Labcorp
Classification: Uncertain significance. Last evaluated: 2022-07-12. Review status: criteria provided, single submitter. Criteria: Invitae Variant Classification Sherloc (09022015). Collection method: clinical testing. Allele origin: germline.
Comment: In summary, the available evidence is currently insufficient to determine the role of this variant in disease. Therefore, it has been classified as a Variant of Uncertain Significance. Experimental studies and prediction algorithms are not available or were not evaluated, and the functional significance of this variant is currently unknown. This variant has not been reported in the literature in individuals affected with ARMC9-related conditions. This variant is not present in population databases (gnomAD no frequency). This sequence change replaces proline, which is neutral and non-polar, with leucine, which is neutral and non-polar, at codon 157 of the ARMC9 protein (p.Pro157Leu).